The following is an entry in ClinVar:

NM_000490.5(AVP):c.337G>A (p.Glu113Lys)

Gene: AVP (arginine vasopressin; minus strand). Cytogenetic location: 20p13.
Variant type: single nucleotide variant.
Coding change: c.337G>A on transcript NM_000490.5 (MANE Select); coding-DNA position 337, G replaced by A.
Protein change: p.Glu113Lys; replaces glutamic acid 113 with lysine.
Molecular consequence: missense variant.
Genome position (GRCh38, 1-based): chr20:3,082,788, C>T on the plus strand (G>A on the coding strand, the complement: AVP is on the minus strand). VCF-style: chr20-3082788-C-T. GRCh37 (hg19) VCF-style: chr20-3063434-C-T.
Other names: short protein forms E113K.
Identifiers: ClinVar variation 2742268 (VCV002742268.4), dbSNP rs121964889, ClinGen allele CA9739425.

ClinVar aggregate classification (germline): Uncertain significance. Review status: criteria provided, multiple submitters, no conflicts (2 of 4 stars). 2 submissions from 2 submitters: Uncertain significance (2). Last evaluated 2024-02-06.

Conditions:
Neurohypophyseal diabetes insipidus. Also called: Hereditary arginine vasopressin deficiency; Diabetes Insipidus, Neurogenic; DIABETES INSIPIDUS, PRIMARY CENTRAL. Identifiers: Orphanet 178029, Orphanet 30925, MedGen C0342394, MONDO:0007450, OMIM 125700.

Allele frequency attached by ClinVar (database versions not stated): gnomAD exomes 0.00002; TOPMed 0.00006; gnomAD 0.00007.

Submissions (2):

Fulgent Genetics
Classification: Uncertain significance for Neurohypophyseal diabetes insipidus. Last evaluated: 2024-02-06. Review status: criteria provided, single submitter. Criteria: ACMG Guidelines, 2015. Collection method: clinical testing. Allele origin: germline.

Labcorp Genetics (formerly Invitae), Labcorp
Classification: Uncertain significance. Last evaluated: 2023-03-20. Review status: criteria provided, single submitter. Criteria: Invitae Variant Classification Sherloc (09022015). Collection method: clinical testing. Allele origin: germline.
Comment: An algorithm developed to predict the effect of missense changes on protein structure and function (PolyPhen-2) suggests that this variant is likely to be tolerated. This sequence change replaces glutamic acid, which is acidic and polar, with lysine, which is basic and polar, at codon 113 of the AVP protein (p.Glu113Lys). This variant is not present in population databases (gnomAD no frequency). This variant has not been reported in the literature in individuals affected with AVP-related conditions. In summary, the available evidence is currently insufficient to determine the role of this variant in disease. Therefore, it has been classified as a Variant of Uncertain Significance.